The following is an entry in ClinVar:

NM_000311.5(PRNP):c.372C>G (p.Gly124=)

Gene: PRNP (prion protein (Kanno blood group); plus strand). Cytogenetic location: 20p13.
Variant type: single nucleotide variant.
Coding change: c.372C>G on transcript NM_000311.5 (MANE Select); coding-DNA position 372, C replaced by G.
Protein change: p.Gly124=; no amino-acid change (glycine 124 retained).
Molecular consequence: synonymous variant. On other transcripts: 3 prime UTR variant (1).
Genome position (GRCh38, 1-based): chr20:4,699,592, C>G. VCF-style: chr20-4699592-C-G. GRCh37 (hg19) VCF-style: chr20-4680238-C-G.
Other names: p.Gly124=; c.372C>G, p.Gly124= (NM_001080121.3, NM_001080122.3, NM_001080123.3 and 1 more transcripts); c.*61C>G (NM_001271561.3).
Identifiers: ClinVar variation 338651 (VCV000338651.87), dbSNP rs201423990, ClinGen allele CA9752058.

ClinVar aggregate classification (germline): Benign/Likely benign. Review status: criteria provided, multiple submitters, no conflicts (2 of 4 stars). 9 submissions from 9 submitters: Benign (4); Likely benign (3). 2 of the submissions do not count toward it. Last evaluated 2026-04-01.

Conditions:
Huntington disease-like 1 (HDL1). Also called: PRION DISEASE, EARLY-ONSET, WITH PROMINENT PSYCHIATRIC FEATURES; HUNTINGTON-LIKE NEURODEGENERATIVE DISORDER 1; HUNTINGTON-LIKE NEURODEGENERATIVE DISORDER, AUTOSOMAL DOMINANT. Identifiers: Orphanet 157941, MedGen C1864112, MONDO:0011299, OMIM 603218.
Inherited prion disease. Identifiers: Orphanet 280400, MedGen C5679775, MONDO:0017234.

Allele frequency attached by ClinVar (database versions not stated): 1000 Genomes Project 30x 0.00078; 1000 Genomes Project 0.00080; TOPMed 0.00200; gnomAD 0.00211 and 0.00213; ExAC 0.00229.

Submissions (9):

CeGaT Center for Human Genetics Tuebingen
Classification: Likely benign. Last evaluated: 2026-04-01. Review status: criteria provided, single submitter. Criteria: CeGaT Center For Human Genetics Tuebingen Variant Classification Criteria Version 2. Collection method: clinical testing. Allele origin: germline. Affected: yes. Observed: 7 variant alleles.
Comment: PRNP: BP4, BP7

Labcorp Genetics (formerly Invitae), Labcorp
Classification: Benign for Huntington disease-like 1. Last evaluated: 2025-11-25. Review status: criteria provided, single submitter. Criteria: Invitae Variant Classification Sherloc (09022015). Collection method: clinical testing. Allele origin: germline.

Blueprint Genetics
Classification: Likely benign. Last evaluated: 2024-11-21. Review status: criteria provided, single submitter. Criteria: ACMG Guidelines, 2015. Collection method: clinical testing. Allele origin: germline.

ARUP Laboratories, Molecular Genetics and Genomics, ARUP Laboratories
Classification: Benign. Last evaluated: 2023-11-09. Review status: criteria provided, single submitter. Criteria: ARUP Molecular Germline Variant Investigation Process 2024. Collection method: clinical testing. Allele origin: germline.

Mayo Clinic Laboratories, Mayo Clinic
Classification: Benign. Last evaluated: 2019-08-08. Review status: criteria provided, single submitter. Criteria: ACMG Guidelines, 2015. Collection method: clinical testing. Allele origin: germline. Observed: 20 variant alleles.

Illumina Laboratory Services, Illumina
Classification: Benign for Genetic prion diseases. Last evaluated: 2018-01-12. Review status: criteria provided, single submitter. Criteria: ICSL Variant Classification Criteria 13 December 2019. Collection method: clinical testing. Allele origin: germline.
Comment: This variant was observed in the ICSL laboratory as part of a predisposition screen in an ostensibly healthy population. It had not been previously curated by ICSL or reported in the Human Gene Mutation Database (HGMD: prior to June 1st, 2018), and was therefore a candidate for classification through an automated scoring system. Utilizing variant allele frequency, disease prevalence and penetrance estimates, and inheritance mode, an automated score was calculated to assess if this variant is too frequent to cause the disease. Based on the score and internal cut-off values, a variant classified as benign is not then subjected to further curation. The score for this variant resulted in a classification of benign for this disease.

Breakthrough Genomics
Classification: Likely benign. Review status: criteria provided, single submitter. Criteria: ACMG Guidelines, 2015. Collection method: not provided. Allele origin: germline. Inheritance: Autosomal dominant inheritance. Affected: yes.

Clinical Genetics DNA and cytogenetics Diagnostics Lab, Erasmus MC, Erasmus Medical Center
Classification: Likely benign. Review status: no assertion criteria provided. Collection method: clinical testing. Allele origin: germline. Affected: yes. Study: VKGL Data-share Consensus. Not counted in ClinVar's aggregate classification.

Genome Diagnostics Laboratory, Amsterdam University Medical Center
Classification: Likely benign. Review status: no assertion criteria provided. Collection method: clinical testing. Allele origin: germline. Affected: yes. Study: VKGL Data-share Consensus. Not counted in ClinVar's aggregate classification.